The following is an entry in ClinVar:

NM_133497.4(KCNV2):c.1247T>C (p.Leu416Pro)

Gene: KCNV2 (potassium voltage-gated channel modifier subfamily V member 2; plus strand). Cytogenetic location: 9p24.2.
Variant type: single nucleotide variant.
Coding change: c.1247T>C on transcript NM_133497.4 (MANE Select); coding-DNA position 1247, T replaced by C.
Protein change: p.Leu416Pro; replaces leucine 416 with proline.
Molecular consequence: missense variant.
Genome position (GRCh38, 1-based): chr9:2,718,986, T>C. VCF-style: chr9-2718986-T-C. GRCh37 (hg19) VCF-style: chr9-2718986-T-C.
Other names: short protein forms L416P.
Identifiers: ClinVar variation 1043424 (VCV001043424.8), dbSNP rs1444275335, ClinGen allele CA372802569.

ClinVar aggregate classification (germline): Uncertain significance (1 of 4 stars; one submission).

Allele frequency attached by ClinVar (database versions not stated): gnomAD exomes below 0.00001; TOPMed below 0.00001; gnomAD 0.00001.
gnomAD v4.1: 7 of 1,612,010 alleles (0.00043%); highest among the groups gnomAD compares: African/African-American, 0.0013%; no homozygotes.

Submission:

Labcorp Genetics (formerly Invitae), Labcorp
Classification: Uncertain significance. Last evaluated: 2023-12-07. Review status: criteria provided, single submitter. Criteria: Invitae Variant Classification Sherloc (09022015). Collection method: clinical testing. Allele origin: germline.
Comment: This sequence change replaces leucine, which is neutral and non-polar, with proline, which is neutral and non-polar, at codon 416 of the KCNV2 protein (p.Leu416Pro). This variant is present in population databases (no rsID available, gnomAD 0.004%). This variant has not been reported in the literature in individuals affected with KCNV2-related conditions. ClinVar contains an entry for this variant (Variation ID: 1043424). Advanced modeling of protein sequence and biophysical properties (such as structural, functional, and spatial information, amino acid conservation, physicochemical variation, residue mobility, and thermodynamic stability) performed at Invitae indicates that this missense variant is expected to disrupt KCNV2 protein function with a positive predictive value of 80%. In summary, the available evidence is currently insufficient to determine the role of this variant in disease. Therefore, it has been classified as a Variant of Uncertain Significance.